The following is an entry in ClinVar:

ClinVar aggregate classification (germline): Uncertain significance (1 of 4 stars; one submission).

gnomAD v4.1: 13 of 1,613,714 alleles (0.00081%); highest among the groups gnomAD compares: Admixed American, 0.0033%; no homozygotes.

Submission:

Labcorp Genetics (formerly Invitae), Labcorp
Classification: Uncertain significance. Last evaluated: 2025-05-04. Review status: criteria provided, single submitter. Criteria: Invitae Variant Classification Sherloc (09022015). Collection method: clinical testing. Allele origin: germline.
Comment: This sequence change replaces glycine, which is neutral and non-polar, with serine, which is neutral and polar, at codon 253 of the C8A protein (p.Gly253Ser). The frequency data for this variant in the population databases is considered unreliable, as metrics indicate poor data quality at this position in the gnomAD database. This variant has not been reported in the literature in individuals affected with C8A-related conditions. An algorithm developed to predict the effect of missense changes on protein structure and function (PolyPhen-2) suggests that this variant is likely to be tolerated. In summary, the available evidence is currently insufficient to determine the role of this variant in disease. Therefore, it has been classified as a Variant of Uncertain Significance.

NM_000562.3(C8A):c.757G>A (p.Gly253Ser)

Gene: C8A (complement C8 alpha chain; plus strand). Cytogenetic location: 1p32.2.
Variant type: single nucleotide variant.
Coding change: c.757G>A on transcript NM_000562.3 (MANE Select); coding-DNA position 757, G replaced by A.
Protein change: p.Gly253Ser; replaces glycine 253 with serine.
Molecular consequence: missense variant.
Genome position (GRCh38, 1-based): chr1:56,883,583, G>A. VCF-style: chr1-56883583-G-A. GRCh37 (hg19) VCF-style: chr1-57349256-G-A.
Other names: short protein forms G253S.
Identifiers: ClinVar variation 4752220 (VCV004752220.1).